The following is an entry in ClinVar:

NM_004318.4(ASPH):c.1394del (p.Leu465fs)

Gene: ASPH (aspartate beta-hydroxylase; minus strand). Cytogenetic location: 8q12.3.
Variant type: Deletion.
Coding change: c.1394del on transcript NM_004318.4 (MANE Select); coding-DNA position 1394, one base deleted (T; older notation c.1394delT).
Protein change: p.Leu465fs; shifts the reading frame from leucine 465.
Molecular consequence: frameshift variant.
Genome position (GRCh38, 1-based): chr8:61,562,787, A deleted on the plus strand (T on the coding strand, the reverse complement: ASPH is on the minus strand). VCF-style (leftmost placement, unchanged base first): chr8-61562786-GA-G. GRCh37 (hg19) VCF-style: chr8-62475345-GA-G.
Other names: c.1307del, p.Leu436fs (NM_001164750.2); c.1394delT, p.Leu465Profs (NM_001413844.1, NM_001413849.1, NM_001413891.1); c.1439delT, p.Leu480Profs (NM_001413845.1); c.1436delT, p.Leu479Profs (NM_001413846.1); c.1337delT, p.Leu446Profs (NM_001413847.1, NM_001413860.1, NM_001413896.1); c.1397delT, p.Leu466Profs (NM_001413848.1); c.1391delT, p.Leu464Profs (NM_001413850.1, NM_001413851.1, NM_001413893.1); c.1382delT, p.Leu461Profs (NM_001413852.1); and 33 more; short protein forms L436fs, L465fs.
Identifiers: ClinVar variation 2429371 (VCV002429371.3), dbSNP rs2547031624, ClinGen allele CA2580078850.
Genomic context (GRCh38, chr8:61,562,786, plus strand): 5'-TACAAGATTGATGCTTACCTCTTCATAAACTTTCTTTGCATTGTCATTATCTCCTATCAA[GA>G]GGTATCCCACGCCAAGGTCATTTTTTAAGGAAGTATCATTGGGAAATAGTTGAACTAATC-3'

ClinVar aggregate classification (germline): Pathogenic (1 of 4 stars; one submission).

Conditions:
Facial dysmorphism-lens dislocation-anterior segment abnormalities-spontaneous filtering blebs syndrome. Also called: Facial dysmorphism, lens dislocation, anterior segment abnormalities, and spontaneous filtering blebs; TRABOULSI SYNDROME. Identifiers: Orphanet 412022, MedGen C1832167, MONDO:0011106, OMIM 601552.

Allele frequency attached by ClinVar (database versions not stated): gnomAD exomes below 0.00001.

Submission:

Diagnostics Services (NGS), CSIR - Centre For Cellular And Molecular Biology
Classification: Pathogenic for Facial dysmorphism-lens dislocation-anterior segment abnormalities-spontaneous filtering blebs syndrome. Last evaluated: 2023-02-03. Review status: criteria provided, single submitter. Criteria: ACMG Guidelines, 2015. Collection method: clinical testing. Allele origin: germline. Affected: yes. Observed: 1 variant allele, 1 homozygote.
Comment: The c.1394del variant is not present in publicly available population databases like 1000 Genomes, ExAC, EVS, gnomAD, Indian Exome Database or our in-house exome database. This variant has neither been published in literature nor reported to clinical databases like in ClinVar, Human Gene Mutation Database (HGMD) or OMIM, in any affected individuals. In silico pathogenicity prediction programs like MutationTaster2, CADD, Varsome, Franklin etc predicted this variant to be likely deleterious. The variant causes frameshift at the 465th amino acid position of the wild-type transcript which creates a premature translation stop signal in the altered transcript that may either result in translation of a truncated protein or cause nonsense mediated decay of the mRNA.